The following is an entry in ClinVar:

ClinVar aggregate classification (germline): Likely pathogenic (1 of 4 stars; one submission).

Conditions:
Developmental and epileptic encephalopathy, 9 (DEE9). Also called: JUBERG-HELLMAN SYNDROME; PCDH19-Related X-Linked Female-Limited Epilepsy with Mental Retardation; Early infantile epileptic encephalopathy 9; EPILEPSY, FEMALE-RESTRICTED, WITH MENTAL RETARDATION. Identifiers: Orphanet 101039, Orphanet 2076, MedGen C1848137, MONDO:0010246, OMIM 300088. Disease mechanism: loss of function.

Submission:

OLLIN Analises Genomicas, OLLIN
Classification: Likely pathogenic for Developmental and epileptic encephalopathy, 9. Last evaluated: 2025-05-19. Review status: criteria provided, single submitter. Criteria: ACMG Guidelines 2015 PMID 25741868. Collection method: clinical testing. Allele origin: germline. Affected: yes. Observed: 1 variant allele.
Comment: The missense variant (chrX:100407519T>C), located in exon 1 (of 6), is not reported in the gnomAD v4.1 non-UKB or ClinVar databases, nor was it found in the scientific literature. This gene shows low tolerance to missense variantion, and this variant is located in a known mutational hotspot. In silico analysis predicts that this variant has a deleterious effect, and another pathogenic variant has been reported at the same residue, but with a different consequence (c.1078G>A, ClinVar ID: VCV001710292.3). According to currently available evidence, this variant has been classified as likely pathogenic (PM1, PM2_P, PM5, PP2, PP3_M).

NM_001184880.2(PCDH19):c.1079A>G (p.Glu360Gly)

Gene: PCDH19 (protocadherin 19; minus strand). Cytogenetic location: Xq22.1.
Variant type: single nucleotide variant.
Coding change: c.1079A>G on transcript NM_001184880.2 (MANE Select); coding-DNA position 1079, A replaced by G.
Protein change: p.Glu360Gly; replaces glutamic acid 360 with glycine.
Molecular consequence: missense variant.
Genome position (GRCh38, 1-based): chrX:100,407,519, T>C on the plus strand (A>G on the coding strand, the complement: PCDH19 is on the minus strand). VCF-style: chrX-100407519-T-C. GRCh37 (hg19) VCF-style: chrX-99662517-T-C.
Other names: c.1079A>G, p.Glu360Gly (NM_020766.3, NM_001105243.2); short protein forms E360G.
Identifiers: ClinVar variation 4814149 (VCV004814149.1).